The following is an entry in ClinVar:

NM_021625.5(TRPV4):c.1412_1414del (p.Phe471del)

Gene: TRPV4 (transient receptor potential cation channel subfamily V member 4; minus strand). Cytogenetic location: 12q24.11.
Variant type: Deletion.
Coding change: c.1412_1414del on transcript NM_021625.5 (MANE Select); coding-DNA positions 1412 to 1414, 3 bases deleted (TCT; older notation c.1412_1414delTCT).
Protein change: p.Phe471del; deletes phenylalanine 471.
Molecular consequence: inframe indel (on NM_021625.4).
Genome position (GRCh38, 1-based): chr12:109,794,406-109,794,408, AGA deleted on the plus strand (TCT on the coding strand, the reverse complement: TRPV4 is on the minus strand); deleting any 3 consecutive bases within chr12:109,794,406-109,794,410 gives the same sequence; the c. name uses the placement nearest the transcript's 3' end. VCF-style (leftmost placement, unchanged base first): chr12-109794405-TAGA-T. GRCh37 (hg19) VCF-style: chr12-110232210-TAGA-T.
Other names: c.1412_1414delTCT (NM_021625.4); c.1269_1271delCTT, p.Phe424del (NM_001177428.2); c.1308_1310delCTT, p.Phe437del (NM_001177431.2); c.1089_1091delCTT, p.Phe364del (NM_001177433.2); c.1410_1412delCTT, p.Phe471del (NM_021625.4); c.1230_1232delCTT, p.Phe411del (NM_147204.3); short protein forms F471del, F411del, F437del, F364del, F424del.
Identifiers: ClinVar variation 126464 (VCV000126464.47), dbSNP rs515726154, ClinGen allele CA347802.

ClinVar aggregate classification (germline): Pathogenic/Likely pathogenic. Review status: criteria provided, multiple submitters, no conflicts (2 of 4 stars). 6 submissions from 6 submitters: Pathogenic (3); Likely pathogenic (1). 2 of the submissions do not count toward it. Last evaluated 2024-07-22.

Conditions:
Skeletal dysplasia and progressive central nervous system degeneration, lethal. Identifiers: MedGen C1865117, MONDO:0011263, OMIM 602613.
Skeletal dysplasia. Also called: Primary bone dysplasia. Identifiers: Orphanet 364526, MedGen C0410528, MONDO:0018230, HP:0002652.
Charcot-Marie-Tooth disease axonal type 2C (HMSN2C). Also called: CHARCOT-MARIE-TOOTH DISEASE, AXONAL, AUTOSOMAL DOMINANT, TYPE 2C; Charcot-Marie-Tooth Neuropathy Type 2C; Charcot-Marie-Tooth Disease Type 2, TRPV4-Related (CMT2C). Identifiers: Orphanet 99937, MedGen C1853710, MONDO:0011633, OMIM 606071.
Metatropic dysplasia (MTD). Also called: Metatropic dysplasia, nonlethal dominant; Metatropic Dysplasia, TRPV4-Related; METATROPIC DWARFISM. Identifiers: Orphanet 2635, MedGen C0265281, MONDO:0007986, OMIM 156530.

Submissions (6):

Labcorp Genetics (formerly Invitae), Labcorp
Classification: Pathogenic for Charcot-Marie-Tooth disease axonal type 2C. Last evaluated: 2024-07-22. Review status: criteria provided, single submitter. Criteria: Invitae Variant Classification Sherloc (09022015). Collection method: clinical testing. Allele origin: germline.
Comment: This variant, c.1412_1414del, results in the deletion of 1 amino acid(s) of the TRPV4 protein (p.Phe471del), but otherwise preserves the integrity of the reading frame. This variant is not present in population databases (gnomAD no frequency). This variant has been observed in individuals with clinical features of metatropic dysplasia (PMID: 20425821, 20577006, 22791502, 36923788). ClinVar contains an entry for this variant (Variation ID: 126464). Algorithms developed to predict the effect of variants on gene product structure and function are not available or were not evaluated for this variant. Experimental studies have shown that this variant affects TRPV4 function (PMID: 21573172). For these reasons, this variant has been classified as Pathogenic.

CeGaT Center for Human Genetics Tuebingen
Classification: Pathogenic. Last evaluated: 2024-02-01. Review status: criteria provided, single submitter. Criteria: CeGaT Center For Human Genetics Tuebingen Variant Classification Criteria Version 2. Collection method: clinical testing. Allele origin: germline. Affected: yes. Observed: 2 variant alleles.
Comment: TRPV4: PS2, PM2, PS4:Moderate, PM4:Supporting, PS3:Supporting

Genomic Medicine Lab, University of California San Francisco
Classification: Pathogenic for Skeletal dysplasia and progressive central nervous system degeneration, lethal. Last evaluated: 2020-03-19. Review status: criteria provided, single submitter. Criteria: ACMG Guidelines, 2015. Collection method: clinical testing. Allele origin: de novo. Inheritance: Autosomal dominant inheritance. Affected: yes. Study: CSER-P3EGS.

ARUP Laboratories, Molecular Genetics and Genomics, ARUP Laboratories
Classification: Likely pathogenic. Last evaluated: 2018-04-12. Review status: criteria provided, single submitter. Criteria: ARUP Molecular Germline Variant Investigation Process. Collection method: clinical testing. Allele origin: germline.
Comment: The TRPV4 c.1412_1414delTCT; p.Phe471del variant (rs515726154, ClinVar variant ID 126464) has been detected in at least two cases of metatropic dysplasia, one of which was infantile lethal (Camacho 2010, Dai 2010). Functional studies in Xenopus oocytes demonstrated that the p.Phe471del variant, like other established pathogenic TRPV4 variants, results in a phenotype consistent with a constitutively open calcium channel compared to wild-type, and similar gain-of-function mutations have been associated with disease in other TRP channel proteins (Loukin 2011). This variant is absent from the general population databases (1000 Genomes Project, Exome Variant Server, Genome Aggregation Database), indicating it is not a common polymorphism. Based on the available information, the p.Phe471del variant is likely to be a pathogenic variant associated with metatropic dysplasia.

OMIM
Classification: Pathogenic for METATROPIC DYSPLASIA. Last evaluated: 2010-10-01. Review status: no assertion criteria provided. Collection method: literature only. Allele origin: germline. Not counted in ClinVar's aggregate classification.

GeneReviews
No classification provided. Condition: Skeletal dysplasia. Review status: no classification provided. Collection method: literature only. Allele origin: germline. Affected: yes. Not counted in ClinVar's aggregate classification.

Literature cited by the submitters: PubMed 20425821 (cited by Labcorp Genetics (formerly Invitae), Labcorp and OMIM); PubMed 20577006 (cited by Labcorp Genetics (formerly Invitae), Labcorp and OMIM); PubMed 22791502 (cited by Labcorp Genetics (formerly Invitae), Labcorp); PubMed 36923788 (cited by Labcorp Genetics (formerly Invitae), Labcorp); PubMed 21573172 (cited by Labcorp Genetics (formerly Invitae), Labcorp); NCBI Bookshelf NBK201366 (cited by GeneReviews).